The following is an entry in ClinVar:

ClinVar aggregate classification (germline): Likely pathogenic (1 of 4 stars; one submission).

Conditions:
Aicardi-Goutieres syndrome 1. Also called: PSEUDOTOXOPLASMOSIS SYNDROME; CREE ENCEPHALITIS; ENCEPHALOPATHY, FAMILIAL INFANTILE, WITH INTRACRANIAL CALCIFICATION AND CHRONIC CEREBROSPINAL FLUID LYMPHOCYTOSIS. Identifiers: Orphanet 51, MedGen C0796126, MONDO:0009165, OMIM 225750.

Submission:

Department of Paediatrics at Addenbrookes, Cambridge University Hospitals NHS Foundation Trust (UK)
Classification: Likely pathogenic for Aicardi-Goutieres syndrome 1. Last evaluated: 2025-05-27. Review status: criteria provided, single submitter. Criteria: Durkie Uk Practice Guidelines For Variant Classification V12 2024 (1). Collection method: clinical testing. Allele origin: unknown.
Comment: PVS1_Strong; PM2_Moderate; PM3_Moderate

NM_033629.6(TREX1):c.764_765dup (p.Thr256fs)

Genes: ATRIP-TREX1 (ATRIP-TREX1 readthrough; plus strand), ATRIP (ATR interacting protein; plus strand), TREX1 (three prime repair exonuclease 1; plus strand). Cytogenetic location: 3p21.31.
Variant type: Duplication.
Coding change: c.764_765dup on transcript NM_033629.6 (MANE Select); coding-DNA positions 764 to 765, 2 bases duplicated (CC; older notation c.764_765dupCC).
Protein change: p.Thr256fs; shifts the reading frame from threonine 256.
Molecular consequence: frameshift variant. On other transcripts: non-coding transcript variant (1), 3 prime UTR variant (4).
Genome position (GRCh38, 1-based): chr3:48,467,419-48,467,420, CC duplicated. VCF-style (leftmost placement, unchanged base first): chr3-48467418-G-GCC. GRCh37 (hg19) VCF-style: chr3-48508817-G-GCC.
Other names: c.734_735dup, p.Thr246fs (NM_007248.5); c.*1865_*1866dup (NM_001271022.2, NM_001271023.2, NM_032166.4 and 1 more transcripts); short protein forms T246fs, T256fs.
Identifiers: ClinVar variation 4279555 (VCV004279555.1).